The following is an entry in ClinVar:

NM_004995.4(MMP14):c.1538G>A (p.Arg513Gln)

Gene: MMP14 (matrix metallopeptidase 14; plus strand). Cytogenetic location: 14q11.2.
Variant type: single nucleotide variant.
Coding change: c.1538G>A on transcript NM_004995.4 (MANE Select); coding-DNA position 1538, G replaced by A.
Protein change: p.Arg513Gln; replaces arginine 513 with glutamine.
Molecular consequence: missense variant.
Genome position (GRCh38, 1-based): chr14:22,845,828, G>A. VCF-style: chr14-22845828-G-A. GRCh37 (hg19) VCF-style: chr14-23315037-G-A.
Other names: c.1538G>A (NM_004995.2); short protein forms R513Q.
Identifiers: ClinVar variation 2059690 (VCV002059690.5), dbSNP rs756563389, ClinGen allele CA7105501.

ClinVar aggregate classification (germline): Uncertain significance. Review status: criteria provided, multiple submitters, no conflicts (2 of 4 stars). 2 submissions from 2 submitters: Uncertain significance (2). Last evaluated 2025-10-15.

Conditions:
Inborn genetic diseases. Identifiers: MedGen C0950123, MeSH D030342.

Allele frequency attached by ClinVar (database versions not stated): TOPMed 0.00003; gnomAD 0.00004; gnomAD exomes 0.00004; ExAC 0.00005.

Submissions (2):

Ambry Genetics
Classification: Uncertain significance for Inborn genetic diseases. Last evaluated: 2025-10-15. Review status: criteria provided, single submitter. Criteria: Ambry Variant Classification Scheme 2023. Collection method: clinical testing. Allele origin: germline.

Labcorp Genetics (formerly Invitae), Labcorp
Classification: Uncertain significance. Last evaluated: 2025-02-15. Review status: criteria provided, single submitter. Criteria: Invitae Variant Classification Sherloc (09022015). Collection method: clinical testing. Allele origin: germline.
Comment: This sequence change replaces arginine, which is basic and polar, with glutamine, which is neutral and polar, at codon 513 of the MMP14 protein (p.Arg513Gln). This variant is present in population databases (rs756563389, gnomAD 0.01%). This variant has not been reported in the literature in individuals affected with MMP14-related conditions. ClinVar contains an entry for this variant (Variation ID: 2059690). An algorithm developed to predict the effect of missense changes on protein structure and function outputs the following: PolyPhen-2: "Benign". The glutamine amino acid residue is found in multiple mammalian species, which suggests that this missense change does not adversely affect protein function. In summary, the available evidence is currently insufficient to determine the role of this variant in disease. Therefore, it has been classified as a Variant of Uncertain Significance.